The following is an entry in ClinVar:

ClinVar aggregate classification (germline): Uncertain significance (1 of 4 stars; one submission).

Submission:

GeneDx
Classification: Uncertain significance. Last evaluated: 2024-04-07. Review status: criteria provided, single submitter. Criteria: GeneDx Variant Classification Process June 2021. Collection method: clinical testing. Allele origin: germline. Affected: yes.
Comment: Not observed at significant frequency in large population cohorts (gnomAD); Has not been previously published as pathogenic or benign to our knowledge; Canonical splice site variant in a gene for which loss-of-function is not an established mechanism of disease

NM_021244.5(RRAGD):c.644+2T>C

Gene: RRAGD (Ras related GTP binding D; minus strand). Cytogenetic location: 6q15.
Variant type: single nucleotide variant.
Coding change: c.644+2T>C on transcript NM_021244.5 (MANE Select); the canonical splice donor site of the intron after coding-DNA position 644, T replaced by C.
Molecular consequence: splice donor variant.
Genome position (GRCh38, 1-based): chr6:89,380,166, A>G on the plus strand (T>C on the coding strand, the complement: RRAGD is on the minus strand). VCF-style: chr6-89380166-A-G. GRCh37 (hg19) VCF-style: chr6-90089885-A-G.
Identifiers: ClinVar variation 3372172 (VCV003372172.1).